The following is an entry in ClinVar:

NM_006790.3(MYOT):c.1132C>G (p.Pro378Ala)

Genes: PKD2L2-DT (PKD2L2 divergent transcript; minus strand), MYOT (myotilin; plus strand). Cytogenetic location: 5q31.2.
Variant type: single nucleotide variant.
Coding change: c.1132C>G on transcript NM_006790.3 (MANE Select); coding-DNA position 1132, C replaced by G.
Protein change: p.Pro378Ala; replaces proline 378 with alanine.
Molecular consequence: missense variant.
Genome position (GRCh38, 1-based): chr5:137,886,155, C>G. VCF-style: chr5-137886155-C-G. GRCh37 (hg19) VCF-style: chr5-137221844-C-G.
Other names: c.1132C>G (NM_006790.2); c.580C>G, p.Pro194Ala (NM_001135940.2); c.787C>G, p.Pro263Ala (NM_001300911.2); short protein forms P263A, P378A, P194A.
Identifiers: ClinVar variation 1464480 (VCV001464480.8), dbSNP rs1489391510, ClinGen allele CA361056205.
Genomic context (GRCh38, chr5:137,886,155, plus strand): 5'-AAAAAAGTTTTAGAGGGAGATTCAGTGAAACTAGAATGCCAGATCTCGGCTATACCTCCA[C>G]CAAAGCTTTTCTGGAAAAGAAATAATGAAATGGTACAATTCAACACTGACCGAATAAGGT-3'
Protein context (NP_006781.1, residues 368-388): LECQISAIPP[Pro378Ala]KLFWKRNNEM

ClinVar aggregate classification (germline): Uncertain significance. Review status: criteria provided, multiple submitters, no conflicts (2 of 4 stars). 3 submissions from 3 submitters: Uncertain significance (3). Last evaluated 2025-08-07.

Conditions:
Inborn genetic diseases. Identifiers: MedGen C0950123, MeSH D030342.
Myofibrillar myopathy 3 (MFM3). Also called: Autosomal dominant spheroid body myopathy; Muscular dystrophy, proximal, type 1A. Identifiers: Orphanet 266, Orphanet 268129, MedGen C3714934, MONDO:0012215, OMIM 609200.

Allele frequency attached by ClinVar (database versions not stated): gnomAD exomes below 0.00001 and 0.00001; gnomAD 0.00003; TOPMed 0.00003.
gnomAD v4.1: 8 of 1,612,306 alleles (0.0005%); highest among the groups gnomAD compares: African/African-American, 0.0094%; no homozygotes.

Submissions (3):

Ambry Genetics
Classification: Uncertain significance for Inborn genetic diseases. Last evaluated: 2025-08-07. Review status: criteria provided, single submitter. Criteria: Ambry Variant Classification Scheme 2023. Collection method: clinical testing. Allele origin: germline.

Labcorp Genetics (formerly Invitae), Labcorp
Classification: Uncertain significance for Myofibrillar myopathy 3. Last evaluated: 2025-01-07. Review status: criteria provided, single submitter. Criteria: Invitae Variant Classification Sherloc (09022015). Collection method: clinical testing. Allele origin: germline.
Comment: This sequence change replaces proline, which is neutral and non-polar, with alanine, which is neutral and non-polar, at codon 378 of the MYOT protein (p.Pro378Ala). This variant is present in population databases (no rsID available, gnomAD 0.008%). This variant has not been reported in the literature in individuals affected with MYOT-related conditions. ClinVar contains an entry for this variant (Variation ID: 1464480). Invitae Evidence Modeling of protein sequence and biophysical properties (such as structural, functional, and spatial information, amino acid conservation, physicochemical variation, residue mobility, and thermodynamic stability) indicates that this missense variant is not expected to disrupt MYOT protein function with a negative predictive value of 80%. In summary, the available evidence is currently insufficient to determine the role of this variant in disease. Therefore, it has been classified as a Variant of Uncertain Significance.

GeneDx
Classification: Uncertain significance. Last evaluated: 2024-09-04. Review status: criteria provided, single submitter. Criteria: GeneDx Variant Classification Process June 2021. Collection method: clinical testing. Allele origin: germline. Affected: yes.
Comment: Missense variants in this gene are a common cause of disease and they are underrepresented in the general population; In silico analysis supports that this missense variant has a deleterious effect on protein structure/function; Has not been previously published as pathogenic or benign to our knowledge; This variant is associated with the following publications: (PMID: 22349301)